The following is an entry in ClinVar:

NM_001379500.1(COL18A1):c.2948G>A (p.Arg983His)

Genes: COL18A1 (collagen type XVIII alpha 1 chain; plus strand), SLC19A1 (solute carrier family 19 member 1; minus strand). Cytogenetic location: 21q22.3.
Variant type: single nucleotide variant.
Coding change: c.2948G>A on transcript NM_001379500.1 (MANE Select); coding-DNA position 2948, G replaced by A.
Protein change: p.Arg983His; replaces arginine 983 with histidine.
Molecular consequence: missense variant.
Genome position (GRCh38, 1-based): chr21:45,505,213, G>A. VCF-style: chr21-45505213-G-A. GRCh37 (hg19) VCF-style: chr21-46925127-G-A.
Other names: NM_130445.2:c.2939G>A; c.3479G>A, p.Arg1160His (NM_030582.4); c.4184G>A, p.Arg1395His (NM_130444.3); short protein forms R1160H, R983H, R1395H.
Identifiers: ClinVar variation 1040700 (VCV001040700.13), dbSNP rs200299380, ClinGen allele CA10067568.

ClinVar aggregate classification (germline): Conflicting classifications of pathogenicity. Review status: criteria provided, conflicting classifications (1 of 4 stars). 7 submissions from 7 submitters: Uncertain significance (4); Likely benign (1). 2 of the submissions do not count toward it. Last evaluated 2026-02-02.

Conditions:
Hereditary glaucoma, primary closed-angle. Also called: Glaucoma, primary closed-angle. Identifiers: MedGen C5394374, MONDO:0030038, OMIM 618880.
Knobloch syndrome 1 (KNO1). Identifiers: MedGen C4551775, MONDO:0800167, OMIM 267750.

Allele frequency attached by ClinVar (database versions not stated): ESP Exome Variant Server 0.00071; 1000 Genomes Project 0.00080; 1000 Genomes Project 30x 0.00094; gnomAD exomes 0.00100; ExAC 0.00102; gnomAD 0.00157 and 0.00163; TOPMed 0.00237.
gnomAD v4.1: 2,486 of 1,600,036 alleles (0.16%); highest among the groups gnomAD compares: Admixed American, 0.19%; 5 homozygotes.

Submissions (7):

Labcorp Genetics (formerly Invitae), Labcorp
Classification: Uncertain significance. Last evaluated: 2026-02-02. Review status: criteria provided, single submitter. Criteria: Invitae Variant Classification Sherloc (09022015). Collection method: clinical testing. Allele origin: germline.
Comment: This sequence change replaces arginine, which is basic and polar, with histidine, which is basic and polar, at codon 980 of the COL18A1 protein (p.Arg980His). This variant is present in population databases (rs200299380, gnomAD 0.2%), and has an allele count higher than expected for a pathogenic variant. This variant has not been reported in the literature in individuals affected with COL18A1-related conditions. ClinVar contains an entry for this variant (Variation ID: 1040700). Experimental studies and prediction algorithms are not available or were not evaluated, and the functional significance of this variant is currently unknown. In summary, the available evidence is currently insufficient to determine the role of this variant in disease. Therefore, it has been classified as a Variant of Uncertain Significance.

Blueprint Genetics
Classification: Likely benign. Last evaluated: 2024-10-10. Review status: criteria provided, single submitter. Criteria: ACMG Guidelines, 2015. Collection method: clinical testing. Allele origin: germline.

Fulgent Genetics
Classification: Uncertain significance for Knobloch syndrome 1; Hereditary glaucoma, primary closed-angle. Last evaluated: 2021-10-14. Review status: criteria provided, single submitter. Criteria: ACMG Guidelines, 2015. Collection method: clinical testing. Allele origin: unknown.

GeneDx
Classification: Uncertain significance. Last evaluated: 2019-04-19. Review status: criteria provided, single submitter. Criteria: GeneDx Variant Classification Process June 2021. Collection method: clinical testing. Allele origin: germline. Affected: yes.
Comment: In silico analysis, which includes protein predictors and evolutionary conservation, supports a deleterious effect; Has not been previously published as pathogenic or benign to our knowledge

Breakthrough Genomics
Classification: Uncertain significance. Review status: criteria provided, single submitter. Criteria: ACMG Guidelines, 2015. Collection method: not provided. Allele origin: germline. Inheritance: Autosomal dominant inheritance. Affected: yes.

Clinical Genetics, Academic Medical Center
Classification: Uncertain significance. Review status: no assertion criteria provided. Collection method: clinical testing. Allele origin: germline. Affected: yes. Study: VKGL Data-share Consensus. Not counted in ClinVar's aggregate classification.

Laboratory of Diagnostic Genome Analysis, Leiden University Medical Center (LUMC)
Classification: Uncertain significance. Review status: no assertion criteria provided. Collection method: clinical testing. Allele origin: germline. Affected: yes. Study: VKGL Data-share Consensus. Not counted in ClinVar's aggregate classification.